The following is an entry in ClinVar:

NM_000138.5(FBN1):c.365G>T (p.Arg122Leu)

Gene: FBN1 (fibrillin 1; minus strand). Cytogenetic location: 15q21.1.
Variant type: single nucleotide variant.
Coding change: c.365G>T on transcript NM_000138.5 (MANE Select); coding-DNA position 365, G replaced by T.
Protein change: p.Arg122Leu; replaces arginine 122 with leucine.
Molecular consequence: missense variant.
Genome position (GRCh38, 1-based): chr15:48,600,216, C>A on the plus strand (G>T on the coding strand, the complement: FBN1 is on the minus strand). VCF-style: chr15-48600216-C-A. GRCh37 (hg19) VCF-style: chr15-48892413-C-A.
Other names: short protein forms R122L.
Identifiers: ClinVar variation 926806 (VCV000926806.4), dbSNP rs1010750845, ClinGen allele CA392446602.
Genomic context (GRCh38, chr15:48,600,216, plus strand): 5'-CCTATGTATCCTTTCTGGCATAGACAGTGATCGTCACTGCAGCTACCTCCATTCATACAG[C>A]GAATATTGCAGTGTTGTACTTGAAAAAAAAGAAGAAGAATTCACTTTTGCAACTTAAATG-3'
Protein context (NP_000129.3, residues 112-132): GSRSIQHCNI[Arg122Leu]CMNGGSCSDD

ClinVar aggregate classification (germline): Uncertain significance (1 of 4 stars; one submission).

Conditions:
Familial thoracic aortic aneurysm and aortic dissection (TAAD). Also called: Thoracic aortic aneurysms and dissections. Identifiers: Orphanet 91387, MedGen C4707243, MONDO:0019625.

gnomAD v4.1: 2 of 1,613,384 alleles (0.00012%); highest among the groups gnomAD compares: South Asian, 0.0022%; no homozygotes.

Submission:

Color Diagnostics, LLC DBA Color Health
Classification: Uncertain significance for Familial thoracic aortic aneurysm and aortic dissection. Last evaluated: 2024-03-06. Review status: criteria provided, single submitter. Criteria: ACMG Guidelines, 2015. Collection method: clinical testing. Allele origin: germline.
Comment: This missense variant replaces arginine with leucine at codon 122 of the FBN1 protein. Computational prediction is inconclusive regarding the impact of this variant on protein structure and function (internally defined REVEL score threshold 0.5 < inconclusive < 0.7, PMID: 27666373). Splice site prediction tools suggest that this variant may not impact RNA splicing. To our knowledge, functional studies have not been reported for this variant. This variant has not been reported in individuals affected with cardiovascular disorders in the literature. This variant has been identified in 1/250860 chromosomes in the general population by the Genome Aggregation Database (gnomAD). The available evidence is insufficient to determine the role of this variant in disease conclusively. Therefore, this variant is classified as a Variant of Uncertain Significance.